The following is an entry in ClinVar:

NM_032444.4(SLX4):c.3101G>T (p.Arg1034Leu)

Gene: SLX4 (SLX4 structure-specific endonuclease subunit; minus strand). Cytogenetic location: 16p13.3.
Variant type: single nucleotide variant.
Coding change: c.3101G>T on transcript NM_032444.4 (MANE Select); coding-DNA position 3101, G replaced by T.
Protein change: p.Arg1034Leu; replaces arginine 1034 with leucine.
Molecular consequence: missense variant.
Genome position (GRCh38, 1-based): chr16:3,590,537, C>A on the plus strand (G>T on the coding strand, the complement: SLX4 is on the minus strand). VCF-style: chr16-3590537-C-A. GRCh37 (hg19) VCF-style: chr16-3640538-C-A.
Other names: short protein forms R1034L.
Identifiers: ClinVar variation 2789518 (VCV002789518.3), dbSNP rs150453226, ClinGen allele CA394522004.

ClinVar aggregate classification (germline): Uncertain significance (1 of 4 stars; one submission).

Conditions:
Fanconi anemia (FA). Also called: Fanconi's anemia. Identifiers: Orphanet 84, MedGen C0015625, MeSH D005199, MONDO:0019391.

Submission:

Labcorp Genetics (formerly Invitae), Labcorp
Classification: Uncertain significance for Fanconi anemia. Last evaluated: 2023-01-03. Review status: criteria provided, single submitter. Criteria: Invitae Variant Classification Sherloc (09022015). Collection method: clinical testing. Allele origin: germline.
Comment: In summary, the available evidence is currently insufficient to determine the role of this variant in disease. Therefore, it has been classified as a Variant of Uncertain Significance. Algorithms developed to predict the effect of missense changes on protein structure and function output the following: SIFT: "Tolerated"; PolyPhen-2: "Benign"; Align-GVGD: "Class C0". The leucine amino acid residue is found in multiple mammalian species, which suggests that this missense change does not adversely affect protein function. This variant has not been reported in the literature in individuals affected with SLX4-related conditions. This variant is not present in population databases (gnomAD no frequency). This sequence change replaces arginine, which is basic and polar, with leucine, which is neutral and non-polar, at codon 1034 of the SLX4 protein (p.Arg1034Leu).